The following is an entry in ClinVar:

NM_017671.5(FERMT1):c.1790C>T (p.Thr597Ile)

Gene: FERMT1 (FERM domain containing kindlin 1; minus strand). Cytogenetic location: 20p12.3.
Variant type: single nucleotide variant.
Coding change: c.1790C>T on transcript NM_017671.5 (MANE Select); coding-DNA position 1790, C replaced by T.
Protein change: p.Thr597Ile; replaces threonine 597 with isoleucine.
Molecular consequence: missense variant.
Genome position (GRCh38, 1-based): chr20:6,079,506, G>A on the plus strand (C>T on the coding strand, the complement: FERMT1 is on the minus strand). VCF-style: chr20-6079506-G-A. GRCh37 (hg19) VCF-style: chr20-6060153-G-A.
Other names: short protein forms T597I.
Identifiers: ClinVar variation 1714664 (VCV001714664.5), dbSNP rs2514683172, ClinGen allele CA408176311.

ClinVar aggregate classification (germline): Uncertain significance (1 of 4 stars; one submission).

Submission:

Labcorp Genetics (formerly Invitae), Labcorp
Classification: Uncertain significance. Last evaluated: 2022-08-16. Review status: criteria provided, single submitter. Criteria: Invitae Variant Classification Sherloc (09022015). Collection method: clinical testing. Allele origin: germline.
Comment: This sequence change replaces threonine, which is neutral and polar, with isoleucine, which is neutral and non-polar, at codon 597 of the FERMT1 protein (p.Thr597Ile). This variant is not present in population databases (gnomAD no frequency). This variant has not been reported in the literature in individuals affected with FERMT1-related conditions. Algorithms developed to predict the effect of missense changes on protein structure and function are either unavailable or do not agree on the potential impact of this missense change (SIFT: "Deleterious"; PolyPhen-2: "Possibly Damaging"; Align-GVGD: "Class C15"). In summary, the available evidence is currently insufficient to determine the role of this variant in disease. Therefore, it has been classified as a Variant of Uncertain Significance.